The following is an entry in ClinVar:

ClinVar aggregate classification (germline): Uncertain significance (1 of 4 stars; one submission).

Conditions:
Inborn genetic diseases. Identifiers: MedGen C0950123, MeSH D030342.

Submission:

Ambry Genetics
Classification: Uncertain significance for Inborn genetic diseases. Last evaluated: 2023-09-25. Review status: criteria provided, single submitter. Criteria: Ambry Variant Classification Scheme 2023. Collection method: clinical testing. Allele origin: germline.
Comment: The p.V237A variant (also known as c.710T>C), located in coding exon 7 of the MDH2 gene, results from a T to C substitution at nucleotide position 710. The valine at codon 237 is replaced by alanine, an amino acid with similar properties. This amino acid position is conserved. In addition, this alteration is predicted to be deleterious by in silico analysis. Since supporting evidence is limited at this time, the clinical significance of this alteration remains unclear.

NM_005918.4(MDH2):c.710T>C (p.Val237Ala)

Gene: MDH2 (malate dehydrogenase 2; plus strand). Cytogenetic location: 7q11.23.
Variant type: single nucleotide variant.
Coding change: c.710T>C on transcript NM_005918.4 (MANE Select); coding-DNA position 710, T replaced by C.
Protein change: p.Val237Ala; replaces valine 237 with alanine.
Molecular consequence: missense variant.
Genome position (GRCh38, 1-based): chr7:76,064,415, T>C. VCF-style: chr7-76064415-T-C. GRCh37 (hg19) VCF-style: chr7-75693733-T-C.
Other names: c.584T>C, p.Val195Ala (NM_001282403.2); c.389T>C, p.Val130Ala (NM_001282404.2); short protein forms V130A, V195A, V237A.
Identifiers: ClinVar variation 3225209 (VCV003225209.1), dbSNP rs1585413290, ClinGen allele CA367767578.